The following is an entry in ClinVar:

NM_005732.4(RAD50):c.3197A>G (p.Asn1066Ser)

Gene: RAD50 (RAD50 double strand break repair protein; plus strand). Cytogenetic location: 5q31.1.
Variant type: single nucleotide variant.
Coding change: c.3197A>G on transcript NM_005732.4 (MANE Select); coding-DNA position 3197, A replaced by G.
Protein change: p.Asn1066Ser; replaces asparagine 1066 with serine.
Molecular consequence: missense variant.
Genome position (GRCh38, 1-based): chr5:132,618,102, A>G. VCF-style: chr5-132618102-A-G. GRCh37 (hg19) VCF-style: chr5-131953794-A-G.
Other names: short protein forms N1066S.
Identifiers: ClinVar variation 484719 (VCV000484719.13), dbSNP rs1554099865, ClinGen allele CA360964295.

ClinVar aggregate classification (germline): Uncertain significance. Review status: criteria provided, multiple submitters, no conflicts (2 of 4 stars). 2 submissions from 2 submitters: Uncertain significance (2). Last evaluated 2025-11-29.

Conditions:
Hereditary cancer-predisposing syndrome. Also called: Neoplastic Syndromes, Hereditary; Tumor predisposition; Hereditary Cancer Syndrome; Hereditary neoplastic syndrome. Identifiers: Orphanet 140162, MedGen C0027672, MeSH D009386, MONDO:0015356.

Allele frequency attached by ClinVar (database versions not stated): gnomAD 0.00001.
gnomAD v4.1: 1 of 1,613,510 alleles (0.000062%); highest among the groups gnomAD compares: Non-Finnish European, 0.000085%; no homozygotes.

Submissions (2):

Ambry Genetics
Classification: Uncertain significance for Hereditary cancer-predisposing syndrome. Last evaluated: 2025-11-29. Review status: criteria provided, single submitter. Criteria: Ambry Variant Classification Scheme 2023. Collection method: clinical testing. Allele origin: germline.
Comment: The p.N1066S variant (also known as c.3197A>G), located in coding exon 21 of the RAD50 gene, results from an A to G substitution at nucleotide position 3197. The asparagine at codon 1066 is replaced by serine, an amino acid with highly similar properties. This amino acid position is poorly conserved in available vertebrate species. In addition, this alteration is predicted to be tolerated by in silico analysis. Since supporting evidence is limited at this time, the clinical significance of this alteration remains unclear.

Labcorp Genetics (formerly Invitae), Labcorp
Classification: Uncertain significance for Hereditary cancer-predisposing syndrome. Last evaluated: 2025-11-10. Review status: criteria provided, single submitter. Criteria: Invitae Variant Classification Sherloc (09022015). Collection method: clinical testing. Allele origin: germline.
Comment: This sequence change replaces asparagine, which is neutral and polar, with serine, which is neutral and polar, at codon 1066 of the RAD50 protein (p.Asn1066Ser). This variant is not present in population databases (gnomAD no frequency). This variant has not been reported in the literature in individuals affected with RAD50-related conditions. ClinVar contains an entry for this variant (Variation ID: 484719). Invitae Evidence Modeling of protein sequence and biophysical properties (such as structural, functional, and spatial information, amino acid conservation, physicochemical variation, residue mobility, and thermodynamic stability) indicates that this missense variant is not expected to disrupt RAD50 protein function with a negative predictive value of 80%. In summary, the available evidence is currently insufficient to determine the role of this variant in disease. Therefore, it has been classified as a Variant of Uncertain Significance.